The following is an entry in ClinVar:

NM_001379500.1(COL18A1):c.107-12254C>T

Gene: COL18A1 (collagen type XVIII alpha 1 chain; plus strand). Cytogenetic location: 21q22.3.
Variant type: single nucleotide variant.
Coding change: c.107-12254C>T on transcript NM_001379500.1 (MANE Select); 12254 bases into the intron before coding-DNA position 107, C replaced by T.
Molecular consequence: intron variant. On other transcripts: missense variant (2).
Genome position (GRCh38, 1-based): chr21:45,455,988, C>T. VCF-style: chr21-45455988-C-T. GRCh37 (hg19) VCF-style: chr21-46875902-C-T.
Other names: c.458C>T, p.Ala153Val (NM_030582.4, NM_130444.3); short protein forms A153V.
Identifiers: ClinVar variation 1359682 (VCV001359682.4), dbSNP rs2034790204, ClinGen allele CA410506162.

ClinVar aggregate classification (germline): Uncertain significance (1 of 4 stars; one submission).

Submission:

Labcorp Genetics (formerly Invitae), Labcorp
Classification: Uncertain significance. Last evaluated: 2020-12-24. Review status: criteria provided, single submitter. Criteria: Invitae Variant Classification Sherloc (09022015). Collection method: clinical testing. Allele origin: germline.
Comment: In summary, the available evidence is currently insufficient to determine the role of this variant in disease. Therefore, it has been classified as a Variant of Uncertain Significance. Experimental studies and prediction algorithms are not available or were not evaluated, and the functional significance of this variant is currently unknown. This variant has not been reported in the literature in individuals with COL18A1-related conditions. This variant is not present in population databases (ExAC no frequency). This sequence change replaces alanine with valine at codon 153 of the COL18A1 protein (p.Ala153Val). The COL18A1 gene has multiple clinically relevant transcripts. This variant occurs in alternate transcript NM_030582.3, and corresponds to NM_130445.2:c.107-12254C>T in the primary transcript.